The following is an entry in ClinVar:

ClinVar aggregate classification (germline): Pathogenic (1 of 4 stars; one submission).

Submission:

Labcorp Genetics (formerly Invitae), Labcorp
Classification: Pathogenic. Last evaluated: 2023-03-31. Review status: criteria provided, single submitter. Criteria: Invitae Variant Classification Sherloc (09022015). Collection method: clinical testing. Allele origin: germline.
Comment: For these reasons, this variant has been classified as Pathogenic. This variant results in an extension of the SOX10 protein. Other variant(s) that result in a similarly extended protein product (p.Tyr460Leufs*42) have been determined to be pathogenic (PMID: 33362852). This suggests that these extensions are likely to be disease-causing. This variant has not been reported in the literature in individuals affected with SOX10-related conditions. This variant is not present in population databases (gnomAD no frequency). This sequence change results in a frameshift in the SOX10 gene (p.Phe425Serfs*77). While this is not anticipated to result in nonsense mediated decay, it is expected to disrupt the last 42 amino acid(s) of the SOX10 protein and extend the protein by 34 additional amino acid residues.

Literature cited by the submitters: PubMed 33362852.

NM_006941.4(SOX10):c.1272del (p.Phe425fs)

Genes: POLR2F (RNA polymerase II, I and III subunit F; plus strand), SOX10 (SRY-box transcription factor 10; minus strand). Cytogenetic location: 22q13.1.
Variant type: Deletion.
Coding change: c.1272del on transcript NM_006941.4 (MANE Select); coding-DNA position 1272, one base deleted (C; older notation c.1272delC).
Protein change: p.Phe425fs; shifts the reading frame from phenylalanine 425.
Molecular consequence: frameshift variant. On other transcripts: intron variant (3).
Genome position (GRCh38, 1-based): chr22:37,973,624, G deleted on the plus strand (C on the coding strand, the reverse complement: SOX10 is on the minus strand); the first of 2 consecutive G bases (chr22:37,973,624-37,973,625); deleting either gives the same sequence. VCF-style (leftmost placement, unchanged base first): chr22-37973623-AG-A. GRCh37 (hg19) VCF-style: chr22-38369630-AG-A.
Other names: c.*38+1315del (NM_001363825.1); c.293+6455del (NM_001301130.2, NM_001301131.2); short protein forms F425fs.
Identifiers: ClinVar variation 2851250 (VCV002851250.3), dbSNP rs2518041436, ClinGen allele CA2739267969.
Genomic context (GRCh38, chr22:37,973,623, plus strand): 5'-AGGGGCTGGGGTCAGAGATGGCCGTGTAGAGGGGCCGCTGCGAGGGCCCCATATAGGAGA[AG>A]GCCGAGTAGAGGCCAGAGGCCTGGCCCGAGTGGCCATAATAGGGTCCTGAGGGCTGATGG-3'